The following is an entry in ClinVar:

ClinVar aggregate classification (germline): Uncertain significance. Review status: criteria provided, multiple submitters, no conflicts (2 of 4 stars). 3 submissions from 3 submitters: Uncertain significance (3). Last evaluated 2026-01-07.

Conditions:
Left ventricular noncompaction 8 (LVNC8). Identifiers: Orphanet 154, Orphanet 54260, MedGen C3809288, MONDO:0014152, OMIM 615373.

Allele frequency attached by ClinVar (database versions not stated): gnomAD 0.00011 and 0.00012; TOPMed 0.00014; ESP Exome Variant Server 0.00016; gnomAD exomes 0.00016; ExAC 0.00018.
gnomAD v4.1: 327 of 1,612,042 alleles (0.02%); highest among the groups gnomAD compares: Non-Finnish European, 0.024%; 1 homozygote.

Submissions (3):

Labcorp Genetics (formerly Invitae), Labcorp
Classification: Uncertain significance for Left ventricular noncompaction 8. Last evaluated: 2026-01-07. Review status: criteria provided, single submitter. Criteria: Invitae Variant Classification Sherloc (09022015). Collection method: clinical testing. Allele origin: germline.
Comment: This sequence change replaces arginine, which is basic and polar, with tryptophan, which is neutral and slightly polar, at codon 1095 of the PRDM16 protein (p.Arg1095Trp). This variant is present in population databases (rs201439415, gnomAD 0.02%). This variant has not been reported in the literature in individuals affected with PRDM16-related conditions. ClinVar contains an entry for this variant (Variation ID: 451058). An algorithm developed to predict the effect of missense changes on protein structure and function (PolyPhen-2) suggests that this variant is likely to be disruptive. In summary, the available evidence is currently insufficient to determine the role of this variant in disease. Therefore, it has been classified as a Variant of Uncertain Significance.

Mayo Clinic Laboratories, Mayo Clinic
Classification: Uncertain significance. Last evaluated: 2025-02-01. Review status: criteria provided, single submitter. Criteria: ACMG Guidelines, 2015. Collection method: clinical testing. Allele origin: germline. Observed: 1 variant allele.
Comment: BP4

GeneDx
Classification: Uncertain significance. Last evaluated: 2024-04-24. Review status: criteria provided, single submitter. Criteria: GeneDx Variant Classification Process June 2021. Collection method: clinical testing. Allele origin: germline. Affected: yes.
Comment: In silico analysis supports that this missense variant has a deleterious effect on protein structure/function; Has not been previously published as pathogenic or benign to our knowledge

NM_022114.4(PRDM16):c.3283C>T (p.Arg1095Trp)

Gene: PRDM16 (PR/SET domain 16; plus strand). Cytogenetic location: 1p36.32.
Variant type: single nucleotide variant.
Coding change: c.3283C>T on transcript NM_022114.4 (MANE Select); coding-DNA position 3283, C replaced by T.
Protein change: p.Arg1095Trp; replaces arginine 1095 with tryptophan.
Molecular consequence: missense variant.
Genome position (GRCh38, 1-based): chr1:3,426,224, C>T. VCF-style: chr1-3426224-C-T. GRCh37 (hg19) VCF-style: chr1-3342788-C-T.
Other names: p.Arg1095Trp; c.3283C>T, p.Arg1095Trp (NM_199454.3); short protein forms R1095W.
Identifiers: ClinVar variation 451058 (VCV000451058.12), dbSNP rs201439415, ClinGen allele CA544792.